The following is an entry in ClinVar:

NM_006361.6(HOXB13):c.499G>T (p.Asp167Tyr)

Gene: HOXB13 (homeobox B13; minus strand). Cytogenetic location: 17q21.32.
Variant type: single nucleotide variant.
Coding change: c.499G>T on transcript NM_006361.6 (MANE Select); coding-DNA position 499, G replaced by T.
Protein change: p.Asp167Tyr; replaces aspartic acid 167 with tyrosine.
Molecular consequence: missense variant.
Genome position (GRCh38, 1-based): chr17:48,728,095, C>A on the plus strand (G>T on the coding strand, the complement: HOXB13 is on the minus strand). VCF-style: chr17-48728095-C-A. GRCh37 (hg19) VCF-style: chr17-46805457-C-A.
Other names: short protein forms D167Y.
Identifiers: ClinVar variation 1490061 (VCV001490061.8), dbSNP rs587780164, ClinGen allele CA400107329.

ClinVar aggregate classification (germline): Uncertain significance (1 of 4 stars; one submission).

gnomAD v4.1: 1 of 1,614,224 alleles (0.000062%); highest among the groups gnomAD compares: Middle Eastern, 0.016%; no homozygotes.

Submission:

Labcorp Genetics (formerly Invitae), Labcorp
Classification: Uncertain significance. Last evaluated: 2021-05-13. Review status: criteria provided, single submitter. Criteria: Invitae Variant Classification Sherloc (09022015). Collection method: clinical testing. Allele origin: germline.
Comment: This sequence change replaces aspartic acid with tyrosine at codon 167 of the HOXB13 protein (p.Asp167Tyr). The aspartic acid residue is moderately conserved and there is a large physicochemical difference between aspartic acid and tyrosine. This variant is not present in population databases (ExAC no frequency). This variant has not been reported in the literature in individuals with HOXB13-related conditions. Algorithms developed to predict the effect of missense changes on protein structure and function are either unavailable or do not agree on the potential impact of this missense change (SIFT: "Tolerated"; PolyPhen-2: "Probably Damaging"; Align-GVGD: "Class C0"). In summary, the available evidence is currently insufficient to determine the role of this variant in disease. Therefore, it has been classified as a Variant of Uncertain Significance.